The following is an entry in ClinVar:

ClinVar aggregate classification (germline): Uncertain significance (1 of 4 stars; one submission).

Submission:

GeneDx
Classification: Uncertain significance. Last evaluated: 2026-03-28. Review status: criteria provided, single submitter. Criteria: GeneDx Variant Classification Process June 2021. Collection method: clinical testing. Allele origin: germline.
Comment: Not observed at significant frequency in large population cohorts (gnomAD); In silico analysis suggests that this missense variant does not alter protein structure/function; Has not been previously published as pathogenic or benign to our knowledge

NM_205768.3(ZBTB18):c.1543C>G (p.Pro515Ala)

Gene: ZBTB18 (zinc finger and BTB domain containing 18; plus strand). Cytogenetic location: 1q44.
Variant type: single nucleotide variant.
Coding change: c.1543C>G on transcript NM_205768.3 (MANE Select); coding-DNA position 1543, C replaced by G.
Protein change: p.Pro515Ala; replaces proline 515 with alanine.
Molecular consequence: missense variant. On other transcripts: 3 prime UTR variant (1).
Genome position (GRCh38, 1-based): chr1:244,055,317, C>G. VCF-style: chr1-244055317-C-G. GRCh37 (hg19) VCF-style: chr1-244218619-C-G.
Other names: c.1516C>G, p.Pro506Ala (NM_001278196.2, NM_006352.5); c.*720C>G (NM_001421566.1); short protein forms P506A, P515A.
Identifiers: ClinVar variation 5017637 (VCV005017637.1).